The following is an entry in ClinVar:

ClinVar aggregate classification (germline): Uncertain significance (1 of 4 stars; one submission).

Conditions:
Charcot-Marie-Tooth disease axonal type 2P. Also called: CHARCOT-MARIE-TOOTH DISEASE, AXONAL, TYPE 2G; CMT 2G; CHARCOT-MARIE-TOOTH NEUROPATHY, TYPE 2P; Charcot-Marie-Tooth Neuropathy Type 2G. Identifiers: Orphanet 300319, Orphanet 99941, MedGen C3280797, MONDO:0013753, OMIM 614436.

Submission:

Labcorp Genetics (formerly Invitae), Labcorp
Classification: Uncertain significance for Charcot-Marie-Tooth disease axonal type 2P. Last evaluated: 2023-06-02. Review status: criteria provided, single submitter. Criteria: Invitae Variant Classification Sherloc (09022015). Collection method: clinical testing. Allele origin: germline.
Comment: In summary, the available evidence is currently insufficient to determine the role of this variant in disease. Therefore, it has been classified as a Variant of Uncertain Significance. Advanced modeling of protein sequence and biophysical properties (such as structural, functional, and spatial information, amino acid conservation, physicochemical variation, residue mobility, and thermodynamic stability) performed at Invitae indicates that this missense variant is expected to disrupt LRSAM1 protein function. This variant has not been reported in the literature in individuals affected with LRSAM1-related conditions. This variant is not present in population databases (gnomAD no frequency). This sequence change replaces glutamine, which is neutral and polar, with lysine, which is basic and polar, at codon 56 of the LRSAM1 protein (p.Gln56Lys).

NM_001005373.4(LRSAM1):c.166C>A (p.Gln56Lys)

Gene: LRSAM1 (leucine rich repeat and sterile alpha motif containing 1; plus strand). Cytogenetic location: 9q33.3.
Variant type: single nucleotide variant.
Coding change: c.166C>A on transcript NM_001005373.4 (MANE Select); coding-DNA position 166, C replaced by A.
Protein change: p.Gln56Lys; replaces glutamine 56 with lysine.
Molecular consequence: missense variant. On other transcripts: 5 prime UTR variant (1), non-coding transcript variant (2).
Genome position (GRCh38, 1-based): chr9:127,455,612, C>A. VCF-style: chr9-127455612-C-A. GRCh37 (hg19) VCF-style: chr9-130217891-C-A.
Other names: c.166C>A, p.Gln56Lys (NM_001005374.4, NM_001190723.3, NM_001384142.1 and 2 more transcripts); c.-619C>A (NM_001384144.1); short protein forms Q56K.
Identifiers: ClinVar variation 3009237 (VCV003009237.3), dbSNP rs1307489046, ClinGen allele CA374963014.